The following is an entry in ClinVar:

ClinVar aggregate classification (germline): Uncertain significance (1 of 4 stars; one submission).

Allele frequency attached by ClinVar (database versions not stated): gnomAD 0.00001; gnomAD exomes 0.00001; TOPMed 0.00001.
gnomAD v4.1: 12 of 1,544,376 alleles (0.00078%); highest among the groups gnomAD compares: Non-Finnish European, 0.001%; no homozygotes.

Submission:

Labcorp Genetics (formerly Invitae), Labcorp
Classification: Uncertain significance. Last evaluated: 2024-03-30. Review status: criteria provided, single submitter. Criteria: Invitae Variant Classification Sherloc (09022015). Collection method: clinical testing. Allele origin: germline.
Comment: This sequence change replaces leucine, which is neutral and non-polar, with isoleucine, which is neutral and non-polar, at codon 266 of the CPLANE1 protein (p.Leu266Ile). This variant is present in population databases (no rsID available, gnomAD 0.003%). This variant has not been reported in the literature in individuals affected with CPLANE1-related conditions. ClinVar contains an entry for this variant (Variation ID: 2181505). Advanced modeling of protein sequence and biophysical properties (such as structural, functional, and spatial information, amino acid conservation, physicochemical variation, residue mobility, and thermodynamic stability) performed at Invitae indicates that this missense variant is not expected to disrupt CPLANE1 protein function with a negative predictive value of 95%. In summary, the available evidence is currently insufficient to determine the role of this variant in disease. Therefore, it has been classified as a Variant of Uncertain Significance.

NM_001384732.1(CPLANE1):c.796C>A (p.Leu266Ile)

Gene: CPLANE1 (ciliogenesis and planar polarity effector complex subunit 1; minus strand). Cytogenetic location: 5p13.2.
Variant type: single nucleotide variant.
Coding change: c.796C>A on transcript NM_001384732.1 (MANE Select); coding-DNA position 796, C replaced by A.
Protein change: p.Leu266Ile; replaces leucine 266 with isoleucine.
Molecular consequence: missense variant.
Genome position (GRCh38, 1-based): chr5:37,239,751, G>T on the plus strand (C>A on the coding strand, the complement: CPLANE1 is on the minus strand). VCF-style: chr5-37239751-G-T. GRCh37 (hg19) VCF-style: chr5-37239853-G-T.
Other names: c.796C>A, p.Leu266Ile (NM_023073.4); short protein forms L266I.
Identifiers: ClinVar variation 2181505 (VCV002181505.2), dbSNP rs1275106600, ClinGen allele CA359515692.